The following is an entry in ClinVar:

ClinVar aggregate classification (germline): Uncertain significance (1 of 4 stars; one submission).

Submission:

GeneDx
Classification: Uncertain significance. Last evaluated: 2024-11-07. Review status: criteria provided, single submitter. Criteria: GeneDx Variant Classification Process June 2021. Collection method: clinical testing. Allele origin: germline. Affected: yes.
Comment: In-frame duplication of 6 amino acids in a non-repeat region; Not observed at significant frequency in large population cohorts (gnomAD); Has not been previously published as pathogenic or benign to our knowledge

NM_003718.5(CDK13):c.566_583dup (p.Ser194_Glu195insGlyArgGlyGluGlySer)

Genes: CDK13 (cyclin dependent kinase 13; plus strand), LOC129998293 (ATAC-STARR-seq lymphoblastoid silent region 18116; plus strand). Cytogenetic location: 7p14.1.
Variant type: Duplication.
Coding change: c.566_583dup on transcript NM_003718.5 (MANE Select); coding-DNA positions 566 to 583, 18 bases duplicated (GGCGCGGGGAGGGGTCGG).
Protein change: p.Ser194_Glu195insGlyArgGlyGluGlySer.
Molecular consequence: inframe indel (on NM_031267.4).
Genome position (GRCh38, 1-based): chr7:39,951,207-39,951,224, GGCGCGGGGAGGGGTCGG duplicated. VCF-style (leftmost placement, unchanged base first): chr7-39951206-C-CGGCGCGGGGAGGGGTCGG. GRCh37 (hg19) VCF-style: chr7-39990805-C-CGGCGCGGGGAGGGGTCGG.
Other names: c.566_583dup, p.Ser194_Glu195insGlyArgGlyGluGlySer (NM_031267.4).
Identifiers: ClinVar variation 3899157 (VCV003899157.1).